The following is an entry in ClinVar:

ClinVar aggregate classification (germline): Uncertain significance (1 of 4 stars; one submission).

Submission:

GeneDx
Classification: Uncertain significance. Last evaluated: 2023-04-21. Review status: criteria provided, single submitter. Criteria: GeneDx Variant Classification Process June 2021. Collection method: clinical testing. Allele origin: germline. Affected: yes.
Comment: Not observed at significant frequency in large population cohorts (gnomAD); In silico analysis supports that this missense variant does not alter protein structure/function; Has not been previously published as pathogenic or benign to our knowledge

NM_006015.6(ARID1A):c.4252G>A (p.Ala1418Thr)

Gene: ARID1A (AT-rich interaction domain 1A; plus strand). Cytogenetic location: 1p36.11.
Variant type: single nucleotide variant.
Coding change: c.4252G>A on transcript NM_006015.6 (MANE Select); coding-DNA position 4252, G replaced by A.
Protein change: p.Ala1418Thr; replaces alanine 1418 with threonine.
Molecular consequence: missense variant. On other transcripts: intron variant (1).
Genome position (GRCh38, 1-based): chr1:26,774,479, G>A. VCF-style: chr1-26774479-G-A. GRCh37 (hg19) VCF-style: chr1-27100970-G-A.
Other names: c.4102-501G>A (NM_139135.4); short protein forms A1418T.
Identifiers: ClinVar variation 2663370 (VCV002663370.1), dbSNP rs777906223, ClinGen allele CA339173888.
Genomic context (GRCh38, chr1:26,774,479, plus strand): 5'-GGGCAGCCTCAGCAGCAGCAGTTGCCCCCAGCCCAGCCCCAGCCTGCCAGCCAGCAACAA[G>A]CTGCCCAGCCTTCCCCTCAGCAAGATGTATACAACCAGTATGGCAATGCCTATCCTGCCA-3'
Protein context (NP_006006.3, residues 1408-1428): AQPQPASQQQ[Ala1418Thr]AQPSPQQDVY